The following is an entry in ClinVar:

NM_001042492.3(NF1):c.6166A>T (p.Lys2056Ter)

Gene: NF1 (neurofibromin 1; plus strand). Cytogenetic location: 17q11.2.
Variant type: single nucleotide variant.
Coding change: c.6166A>T on transcript NM_001042492.3 (MANE Select); coding-DNA position 6166, A replaced by T.
Protein change: p.Lys2056Ter; replaces lysine 2056 with a stop codon.
Molecular consequence: nonsense.
Genome position (GRCh38, 1-based): chr17:31,336,653, A>T. VCF-style: chr17-31336653-A-T. GRCh37 (hg19) VCF-style: chr17-29663671-A-T.
Other names: c.6103A>T, p.Lys2035Ter (NM_000267.4); short protein forms K2035*, K2056*.
Identifiers: ClinVar variation 590842 (VCV000590842.6), dbSNP rs1555534667, ClinGen allele CA399011747.
Genomic context (GRCh38, chr17:31,336,653, plus strand): 5'-CATGTTTTTTTTTTTAAAAAAAAAAATCCTGCTTCTTTACAGGTTATTGGAAGGATGTGC[A>T]AAATAATTGACAAGACATGCTTATCTCCAACTCCTACTTTAGAACAACATCTTATGTGGG-3'

ClinVar aggregate classification (germline): Pathogenic. Review status: criteria provided, multiple submitters, no conflicts (2 of 4 stars). 2 submissions from 2 submitters: Pathogenic (2). Last evaluated 2023-12-10.

Conditions:
Pilocytic astrocytoma. Also called: Pilocytic astrocytoma, somatic. Identifiers: Orphanet 251612, MedGen C0334583, MONDO:0016691, HP:0033680.
Neurofibromatosis, type 1 (NF1). Also called: NEUROFIBROMATOSIS, TYPE I, SOMATIC; Neurofibromatosis, type I; VON RECKLINGHAUSEN DISEASE; Peripheral type neurofibromatosis. Identifiers: Orphanet 636, MedGen C0027831, MONDO:0018975, OMIM 162200. Disease mechanism: loss of function.

Submissions (2):

Labcorp Genetics (formerly Invitae), Labcorp
Classification: Pathogenic for Neurofibromatosis, type 1. Last evaluated: 2023-12-10. Review status: criteria provided, single submitter. Criteria: Invitae Variant Classification Sherloc (09022015). Collection method: clinical testing. Allele origin: germline.
Comment: This sequence change creates a premature translational stop signal (p.Lys2035*) in the NF1 gene. It is expected to result in an absent or disrupted protein product. Loss-of-function variants in NF1 are known to be pathogenic (PMID: 10712197, 23913538). This variant is not present in population databases (gnomAD no frequency). This variant has not been reported in the literature in individuals affected with NF1-related conditions. ClinVar contains an entry for this variant (Variation ID: 590842). Algorithms developed to predict the effect of sequence changes on RNA splicing suggest that this variant may disrupt the consensus splice site. For these reasons, this variant has been classified as Pathogenic.

St. Jude Molecular Pathology, St. Jude Children's Research Hospital
Classification: Pathogenic for Pilocytic astrocytoma. Last evaluated: 2016-08-26. Review status: criteria provided, single submitter. Criteria: ACMG Guidelines, 2015. Collection method: clinical testing. Allele origin: germline. Affected: yes.
Comment: This is a nonsense alteration in which an A is replaced by a T at coding position 6103 and is predicted to change a Lysine to a premature stop codon at codon 2035. Classification criteria: PVS1, PS3, PM2, PP4.

Literature cited by the submitters: PubMed 10712197 (cited by Labcorp Genetics (formerly Invitae), Labcorp); PubMed 23913538 (cited by Labcorp Genetics (formerly Invitae), Labcorp).